The following is an entry in ClinVar:

NM_007294.4(BRCA1):c.3932A>G (p.Asn1311Ser)

Genes: BRCA1 (BRCA1 DNA repair associated; minus strand), LOC126862571 (BRD4-independent group 4 enhancer GRCh37_chr17:41243136-41244335; plus strand). Cytogenetic location: 17q21.31.
Variant type: single nucleotide variant.
Coding change: c.3932A>G on transcript NM_007294.4 (MANE Select); coding-DNA position 3932, A replaced by G.
Protein change: p.Asn1311Ser; replaces asparagine 1311 with serine.
Molecular consequence: missense variant. On other transcripts: intron variant (135).
Genome position (GRCh38, 1-based): chr17:43,091,599, T>C on the plus strand (A>G on the coding strand, the complement: BRCA1 is on the minus strand). VCF-style: chr17-43091599-T-C. GRCh37 (hg19) VCF-style: chr17-41243616-T-C.
Other names: NP_009225.1:p.Asn1311Ser; c.3806A>G, p.Asn1269Ser (NM_001407691.1, NM_001407649.1, NM_001407670.1 and 11 more transcripts); c.3791A>G, p.Asn1264Ser (NM_001407692.1, NM_001407694.1, NM_001407695.1 and 29 more transcripts); c.3788A>G, p.Asn1263Ser (NM_001407742.1, NM_001407743.1, NM_001407744.1 and 20 more transcripts); c.3719A>G, p.Asn1240Ser (NM_001407571.1, NM_001407853.1, NM_001407894.1 and 9 more transcripts); c.3932A>G, p.Asn1311Ser (NM_001407581.1, NM_001407582.1, NM_001407583.1 and 30 more transcripts); c.3929A>G, p.Asn1310Ser (NM_001407587.1, NM_001407590.1, NM_001407591.1 and 22 more transcripts); c.3923A>G, p.Asn1308Ser (NM_001407646.1, NM_001407647.1); and 42 more; short protein forms N1264S, N1311S, N1183S, N1223S, N1241S, N1308S, N1310S, N1244S.
Identifiers: ClinVar variation 1325661 (VCV001325661.5), dbSNP rs2154276206, ClinGen allele CA10594098.

ClinVar aggregate classification (germline): Conflicting classifications of pathogenicity. Review status: criteria provided, conflicting classifications (1 of 4 stars). 3 submissions from 3 submitters: Uncertain significance (2); Likely benign (1). Last evaluated 2025-05-22.

Conditions:
Hereditary cancer-predisposing syndrome. Also called: Hereditary Cancer Syndrome; Tumor predisposition; Neoplastic Syndromes, Hereditary; Hereditary neoplastic syndrome. Identifiers: Orphanet 140162, MedGen C0027672, MeSH D009386, MONDO:0015356.
Hereditary breast ovarian cancer syndrome. Also called: Hereditary breast and ovarian cancer syndrome; Hereditary breast and ovarian cancer; Hereditary breast and ovarian cancer syndrome (HBOC); BRCA1- and BRCA2-Associated Hereditary Breast and Ovarian Cancer; Hereditary breast and/or ovarian cancer syndrome; Breast and ovarian cancer. Identifiers: Orphanet 145, MedGen C0677776, MeSH D061325, MONDO:0003582. Disease mechanism: loss of function.

Submissions (3):

Ambry Genetics
Classification: Uncertain significance for Hereditary cancer-predisposing syndrome. Last evaluated: 2025-05-22. Review status: criteria provided, single submitter. Criteria: Ambry Variant Classification Scheme 2023. Collection method: clinical testing. Allele origin: germline.
Comment: The p.N1311S variant (also known as c.3932A>G), located in coding exon 9 of the BRCA1 gene, results from an A to G substitution at nucleotide position 3932. The asparagine at codon 1311 is replaced by serine, an amino acid with highly similar properties. This amino acid position is not well conserved in available vertebrate species. In addition, this alteration is predicted to be tolerated by in silico analysis. Based on the available evidence, the clinical significance of this variant remains unclear.

University of Washington Department of Laboratory Medicine, University of Washington
Classification: Likely benign for Hereditary cancer-predisposing syndrome. Last evaluated: 2023-03-23. Review status: criteria provided, single submitter. Criteria: Dines et al. (Genet Med. 2020). Collection method: curation. Allele origin: germline.
Comment: Missense variant in a coldspot region where missense variants are very unlikely to be pathogenic (PMID:31911673).

BRCA1 coldspot (exon 11 using historical exon numbering). Reclassification based on statistical prior probability

National Health Laboratory Service, Universitas Academic Hospital and University of the Free State
Classification: Uncertain significance for Hereditary breast ovarian cancer syndrome. Last evaluated: 2021-11-16. Review status: criteria provided, single submitter. Criteria: ACMG Guidelines, 2015. Collection method: clinical testing. Allele origin: germline. Affected: yes. Observed: 1 variant allele.

Literature cited by the submitters: DOI 10.3389/fgene.2022.834265 (cited by National Health Laboratory Service, Universitas Academic Hospital and University of the Free State).